The following is an entry in ClinVar:

ClinVar aggregate classification (germline): Uncertain significance (1 of 4 stars; one submission).

Conditions:
Duchenne muscular dystrophy (DMD). Also called: Duchenne Muscular Dystrophy (DMD); MUSCULAR DYSTROPHY, PSEUDOHYPERTROPHIC PROGRESSIVE, DUCHENNE TYPE. Identifiers: Orphanet 98896, MedGen C0013264, MONDO:0010679, OMIM 310200.

Submission:

Labcorp Genetics (formerly Invitae), Labcorp
Classification: Uncertain significance for Duchenne muscular dystrophy. Last evaluated: 2021-08-31. Review status: criteria provided, single submitter. Criteria: Invitae Variant Classification Sherloc (09022015). Collection method: clinical testing. Allele origin: germline.
Comment: This sequence change replaces alanine with valine at codon 1465 of the DMD protein (p.Ala1465Val). The alanine residue is highly conserved and there is a small physicochemical difference between alanine and valine. This variant is not present in population databases (ExAC no frequency). This variant has not been reported in the literature in individuals affected with DMD-related conditions. Algorithms developed to predict the effect of missense changes on protein structure and function are either unavailable or do not agree on the potential impact of this missense change (SIFT: "Tolerated"; PolyPhen-2: "Probably Damaging"; Align-GVGD: "Class C0"). In summary, the available evidence is currently insufficient to determine the role of this variant in disease. Therefore, it has been classified as a Variant of Uncertain Significance.

NM_004006.3(DMD):c.4394C>T (p.Ala1465Val)

Gene: DMD (dystrophin; minus strand). Cytogenetic location: Xp21.1.
Variant type: single nucleotide variant.
Coding change: c.4394C>T on transcript NM_004006.3 (MANE Select); coding-DNA position 4394, C replaced by T.
Protein change: p.Ala1465Val; replaces alanine 1465 with valine.
Molecular consequence: missense variant.
Genome position (GRCh38, 1-based): chrX:32,389,625, G>A on the plus strand (C>T on the coding strand, the complement: DMD is on the minus strand). VCF-style: chrX-32389625-G-A. GRCh37 (hg19) VCF-style: chrX-32407742-G-A.
Other names: c.4370C>T, p.Ala1457Val (NM_000109.4); c.4382C>T, p.Ala1461Val (NM_004009.3); c.4025C>T, p.Ala1342Val (NM_004010.3); c.371C>T, p.Ala124Val (NM_004011.4); c.362C>T, p.Ala121Val (NM_004012.4); short protein forms A1465V, A1457V, A121V, A1342V, A124V, A1461V.
Identifiers: ClinVar variation 934122 (VCV000934122.7), dbSNP rs755496708, ClinGen allele CA412663636.